The following is an entry in ClinVar:

ClinVar aggregate classification (germline): Benign. Review status: criteria provided, multiple submitters, no conflicts (2 of 4 stars). 3 submissions from 3 submitters: Benign (3). Last evaluated 2018-06-14.

Conditions:
Chudley-McCullough syndrome (CMCS). Also called: Deafness, autosomal recessive 82; DEAFNESS, SENSORINEURAL, WITH PARTIAL AGENESIS OF THE CORPUS CALLOSUM AND ARACHNOID CYSTS. Identifiers: Orphanet 314597, MedGen C1858695, MONDO:0011411, OMIM 604213.

Allele frequency attached by ClinVar (database versions not stated): gnomAD 0.20894 and 0.21177; TOPMed 0.21680; 1000 Genomes Project 0.20946; gnomAD exomes 0.23595; 1000 Genomes Project 30x 0.20643.
gnomAD v4.1: 97,985 of 431,734 alleles (23%); highest among the groups gnomAD compares: East Asian, 38%; 11,983 homozygotes.

Submissions (3):

GeneDx
Classification: Benign. Last evaluated: 2018-06-14. Review status: criteria provided, single submitter. Criteria: GeneDx Variant Classification Process June 2021. Collection method: clinical testing. Allele origin: germline. Affected: yes.

Illumina Laboratory Services, Illumina
Classification: Benign for Chudley-McCullough syndrome. Last evaluated: 2018-01-12. Review status: criteria provided, single submitter. Criteria: ICSL Variant Classification Criteria 13 December 2019. Collection method: clinical testing. Allele origin: germline.
Comment: This variant was observed in the ICSL laboratory as part of a predisposition screen in an ostensibly healthy population. It had not been previously curated by ICSL or reported in the Human Gene Mutation Database (HGMD: prior to June 1st, 2018), and was therefore a candidate for classification through an automated scoring system. Utilizing variant allele frequency, disease prevalence and penetrance estimates, and inheritance mode, an automated score was calculated to assess if this variant is too frequent to cause the disease. Based on the score and internal cut-off values, a variant classified as benign is not then subjected to further curation. The score for this variant resulted in a classification of benign for this disease.

Breakthrough Genomics
Classification: Benign. Review status: criteria provided, single submitter. Criteria: ACMG Guidelines, 2015. Collection method: not provided. Allele origin: germline. Inheritance: Autosomal recessive inheritance. Affected: yes.

NM_013296.5(GPSM2):c.*251T>C

Genes: CLCC1 (chloride channel CLIC like 1; minus strand), GPSM2 (G protein signaling modulator 2; plus strand). Cytogenetic location: 1p13.3.
Variant type: single nucleotide variant.
Coding change: c.*251T>C on transcript NM_013296.5 (MANE Select); 251 bases downstream of the stop codon, T replaced by C.
Molecular consequence: 3 prime UTR variant. On other transcripts: non-coding transcript variant (1), intron variant (1).
Genome position (GRCh38, 1-based): chr1:108,930,191, T>C. VCF-style: chr1-108930191-T-C. GRCh37 (hg19) VCF-style: chr1-109472813-T-C.
Other names: c.*2356A>G (NM_001048210.3, NM_001278202.2, NM_001278203.1 and 10 more transcripts); c.*2361A>G (NM_001377459.1, NM_001377460.1, NM_001377462.1 and 1 more transcripts); c.*251T>C (NM_001321038.2); c.*35+216T>C (NM_001321039.3).
Identifiers: ClinVar variation 291712 (VCV000291712.7), dbSNP rs12030, ClinGen allele CA10607439.